The following is an entry in ClinVar:

NM_007194.4(CHEK2):c.902del (p.Leu301fs)

Gene: CHEK2 (checkpoint kinase 2; minus strand). Cytogenetic location: 22q12.1.
Variant type: Deletion.
Coding change: c.902del on transcript NM_007194.4 (MANE Select); coding-DNA position 902, one base deleted (T; older notation c.902delT).
Protein change: p.Leu301fs; shifts the reading frame from leucine 301.
Molecular consequence: frameshift variant.
Genome position (GRCh38, 1-based): chr22:28,703,511, A deleted on the plus strand (T on the coding strand, the reverse complement: CHEK2 is on the minus strand); the first of 4 consecutive A bases (chr22:28,703,511-28,703,514); deleting any one gives the same sequence. VCF-style (leftmost placement, unchanged base first): chr22-28703510-CA-C. GRCh37 (hg19) VCF-style: chr22-29099498-CA-C.
Other names: c.1028delT, p.Leu344Trpfs (NM_001005735.3); c.236delT, p.Leu80Trpfs (NM_001257387.3); c.698delT, p.Leu234Trpfs (NM_001349956.3); c.899delT, p.Leu301Trpfs (NM_145862.3); short protein forms L301fs, L344fs, L80fs, L234fs.
Identifiers: ClinVar variation 185097 (VCV000185097.63), dbSNP rs748005072, ClinGen allele CA191013.

ClinVar aggregate classification (germline): Pathogenic/Likely pathogenic. Review status: criteria provided, multiple submitters, no conflicts (2 of 4 stars). 16 submissions from 16 submitters: Pathogenic (11); Likely pathogenic (3). 2 of the submissions do not count toward it. Last evaluated 2026-01-12.

Conditions:
CHEK2-related cancer predisposition (TPDS4). Also called: CHEK2-related cancer susceptibility; TUMOR PREDISPOSITION SYNDROME 4; CANCER PREDISPOSITION SYNDROME, CHEK2-RELATED. Identifiers: Orphanet 524, MedGen C5882668, MONDO:0700271, OMIM 609265.
Familial prostate cancer. Also called: Hereditary Prostate Cancer. Identifiers: MedGen C2931456, MONDO:0700275, OMIM 176807.
Bone osteosarcoma. Also called: Osteosarcoma, somatic. Identifiers: Orphanet 668, MedGen C0585442, MONDO:0002629, OMIM 259500.
CHEK2-related disorder.
Colorectal cancer. Also called: Colorectal cancer, somatic; Malignant Colorectal Neoplasm. Identifiers: MedGen C0346629, MONDO:0005575, OMIM 114500.
Hereditary cancer-predisposing syndrome. Also called: Hereditary Cancer Syndrome; Neoplastic Syndromes, Hereditary; Tumor predisposition; Hereditary neoplastic syndrome. Identifiers: Orphanet 140162, MedGen C0027672, MeSH D009386, MONDO:0015356.
Familial cancer of breast. Also called: Hereditary breast cancer; hereditary breast carcinoma; BREAST CANCER, FAMILIAL. Identifiers: Orphanet 227535, MedGen C0346153, MONDO:0016419, OMIM 114480. Disease mechanism: loss of function.

Submissions (16):

Labcorp Genetics (formerly Invitae), Labcorp
Classification: Pathogenic for Familial cancer of breast. Last evaluated: 2026-01-12. Review status: criteria provided, single submitter. Criteria: Invitae Variant Classification Sherloc (09022015). Collection method: clinical testing. Allele origin: germline.
Comment: This sequence change creates a premature translational stop signal (p.Leu301Trpfs*3) in the CHEK2 gene. It is expected to result in an absent or disrupted protein product. Loss-of-function variants in CHEK2 are known to be pathogenic (PMID: 21876083, 24713400). The frequency data for this variant in the population databases is considered unreliable, as metrics indicate poor data quality at this position in the gnomAD database. This premature translational stop signal has been observed in individual(s) with breast cancer (PMID: 25330149). ClinVar contains an entry for this variant (Variation ID: 185097). For these reasons, this variant has been classified as Pathogenic.

Dasa
Classification: Likely pathogenic. Last evaluated: 2025-11-07. Review status: criteria provided, single submitter. Criteria: DASA Assertion Criteria. Collection method: clinical testing. Allele origin: germline.
Comment: NM_007194.4(CHEK2):c.902del (p.Leu301TrpfsTer3) is a frameshift variant in CHEK2 predicted to alter the reading frame and introduce a premature termination codon and is predicted to result in an absent or altered protein product. Loss of function is an established disease mechanism for CHEK2 (PMID: 15122511; PMID: 16897426; PMID: 18381420). Published studies describe this variant in association with related phenotype (PMID: 25330149; PMID: 21876083; PMID: 24713400). Also, this variant is rare in population databases. Based on the currently available evidence, this variant is classified as likely pathogenic.

Department of Human Genetics, Hannover Medical School
Classification: Pathogenic for CHEK2-related cancer predisposition. Last evaluated: 2025-08-06. Review status: criteria provided, single submitter. Criteria: ACMG Guidelines, 2015. Collection method: clinical testing. Allele origin: germline. Affected: yes.
Comment: PVS1, PM2_Supporting, PM5_Supporting

GeneDx
Classification: Pathogenic. Last evaluated: 2025-04-25. Review status: criteria provided, single submitter. Criteria: GeneDx Variant Classification Process June 2021. Collection method: clinical testing. Allele origin: germline. Affected: yes.
Comment: Frameshift variant predicted to result in protein truncation or nonsense mediated decay in a gene for which loss-of-function is a known mechanism of disease; Not observed at significant frequency in large population cohorts (gnomAD); This variant is associated with the following publications: (PMID: 25330149, 28152038, 31159747, 31036035, 32805687, 29922827, 36493725, 36644613, 35441217, 36315097, 33840814, 33528079, 39148954, 29522266, 36468172)

Ambry Genetics
Classification: Pathogenic for Hereditary cancer-predisposing syndrome. Last evaluated: 2024-10-04. Review status: criteria provided, single submitter. Criteria: Ambry Variant Classification Scheme 2023. Collection method: clinical testing. Allele origin: germline.
Comment: The c.902delT pathogenic mutation, located in coding exon 7 of the CHEK2 gene, results from a deletion of one nucleotide at nucleotide position 902, causing a translational frameshift with a predicted alternate stop codon (p.L301Wfs*3). This alteration is expected to result in loss of function by premature protein truncation or nonsense-mediated mRNA decay. As such, this alteration is interpreted as a disease-causing mutation.

Fulgent Genetics
Classification: Pathogenic for Familial prostate cancer; Bone osteosarcoma; CHEK2-related cancer predisposition. Last evaluated: 2024-06-08. Review status: criteria provided, single submitter. Criteria: ACMG Guidelines, 2015. Collection method: clinical testing. Allele origin: germline.

Blueprint Genetics
Classification: Pathogenic for CHEK2-related disorders. Last evaluated: 2024-03-25. Review status: criteria provided, single submitter. Criteria: ACMG Guidelines, 2015. Collection method: clinical testing. Allele origin: germline. Affected: yes. Observed: 5 variant alleles.

Molecular Pathology, Peter Maccallum Cancer Centre
Classification: Pathogenic for Familial cancer of breast. Last evaluated: 2024-01-22. Review status: criteria provided, single submitter. Criteria: ACMG Guidelines, 2015. Collection method: clinical testing. Allele origin: germline. Inheritance: Autosomal dominant inheritance.

CeGaT Center for Human Genetics Tuebingen
Classification: Pathogenic. Last evaluated: 2023-06-01. Review status: criteria provided, single submitter. Criteria: CeGaT Center For Human Genetics Tuebingen Variant Classification Criteria Version 2. Collection method: clinical testing. Allele origin: germline. Affected: yes. Observed: 1 variant allele.
Comment: CHEK2: PVS1, PM2, PS4:Supporting

Myriad Genetics, Inc.
Classification: Pathogenic for Familial cancer of breast. Last evaluated: 2023-03-08. Review status: criteria provided, single submitter. Criteria: Myriad Autosomal Dominant, Autosomal Recessive and X-Linked Classification Criteria (2023). Collection method: clinical testing. Allele origin: unknown.
Comment: This variant is considered pathogenic. This variant creates a frameshift predicted to result in premature protein truncation.

MGZ Medical Genetics Center
Classification: Likely pathogenic for Familial cancer of breast. Last evaluated: 2022-06-20. Review status: criteria provided, single submitter. Criteria: ACMG Guidelines, 2015. Collection method: clinical testing. Allele origin: germline. Affected: yes. Observed: 2 variant alleles.
Comment: ACMG criteria applied: PVS1, PM2_SUP

Human Genetics Bochum, Ruhr University Bochum
Classification: Likely pathogenic for Colorectal cancer. Last evaluated: 2022-03-28. Review status: criteria provided, single submitter. Criteria: ACMG Guidelines, 2015. Collection method: clinical testing. Allele origin: germline. Affected: yes.
Comment: ACMG criteria used to clasify this variant: PVS1, PM2

Color Diagnostics, LLC DBA Color Health
Classification: Pathogenic for Hereditary cancer-predisposing syndrome. Last evaluated: 2020-01-15. Review status: criteria provided, single submitter. Criteria: ACMG Guidelines, 2015. Collection method: clinical testing. Allele origin: germline.
Comment: This variant deletes 1 nucleotide in exon 8 of the CHEK2 gene, creating a frameshift and premature translation stop signal. This variant is expected to result in an absent or non-functional protein product. This variant has been identified in 1/204874 chromosomes in the general population by the Genome Aggregation Database (gnomAD). Loss of CHEK2 function is a known mechanism of disease. Based on the available evidence, this variant is classified as Pathogenic.

GeneKor MSA
Classification: Pathogenic for Hereditary cancer-predisposing syndrome. Last evaluated: 2020-01-01. Review status: criteria provided, single submitter. Criteria: ACMG Guidelines, 2015. Collection method: clinical testing. Allele origin: germline. Affected: yes.
Comment: This variation is a single nucleotide deletion in exon 8 of the CHEK2 mRNA (c.902delT), causing a frameshift at codon 301. This creates a premature stop codon 3 amino acid residues later - p.(Leu301Trpfs*3) - and is expected to result in an absent or disrupted protein product. This variant has been described in the literature in at least one individual with a personal and family history of breast cancer (PMID: 25330149 ). The mutation database ClinVar contains entry for this variant (Variation ID: 185097/).

Counsyl
Classification: Likely pathogenic for Familial cancer of breast. Last evaluated: 2017-04-11. Review status: no assertion criteria provided. Collection method: clinical testing. Allele origin: unknown. Not counted in ClinVar's aggregate classification.

Department of Pediatric Oncology,  Hematology and Clinical Immunology, University Clinics Duesseldorf
Classification: Uncertain significance for Hereditary cancer-predisposing syndrome. Review status: flagged submission. Criteria: ACMG Guidelines, 2015. Collection method: research. Allele origin: paternal. Affected: yes. Observed: 1 heterozygote. Not counted in ClinVar's aggregate classification.
ClinVar note: Reason: Outlier claim with insufficient supporting evidence

Literature cited by the submitters: PubMed 21876083 (cited by Labcorp Genetics (formerly Invitae), Labcorp and Dasa); PubMed 24713400 (cited by Labcorp Genetics (formerly Invitae), Labcorp and Dasa); PubMed 25330149 (cited by 3 submitters); PubMed 15122511 (cited by Dasa); PubMed 16897426 (cited by Dasa); PubMed 18381420 (cited by Dasa); PubMed 31036035 (cited by Ambry Genetics).